The following is an entry in ClinVar:

NM_017934.7(PHIP):c.3554T>A (p.Val1185Glu)

Genes: IRAK1BP1 (interleukin 1 receptor associated kinase 1 binding protein 1; plus strand), PHIP (PHIP subunit of CUL4-Ring ligase complex; minus strand). Cytogenetic location: 6q14.1.
Variant type: single nucleotide variant.
Coding change: c.3554T>A on transcript NM_017934.7 (MANE Select); coding-DNA position 3554, T replaced by A.
Protein change: p.Val1185Glu; replaces valine 1185 with glutamic acid.
Molecular consequence: missense variant.
Genome position (GRCh38, 1-based): chr6:78,961,792, A>T on the plus strand (T>A on the coding strand, the complement: PHIP is on the minus strand). VCF-style: chr6-78961792-A-T. GRCh37 (hg19) VCF-style: chr6-79671509-A-T.
Other names: short protein forms V1185E.
Identifiers: ClinVar variation 4074654 (VCV004074654.1).

ClinVar aggregate classification (germline): Uncertain significance (1 of 4 stars; one submission).

Submission:

GeneDx
Classification: Uncertain significance. Last evaluated: 2025-02-07. Review status: criteria provided, single submitter. Criteria: GeneDx Variant Classification Process June 2021. Collection method: clinical testing. Allele origin: germline. Affected: yes.
Comment: Not observed at significant frequency in large population cohorts (gnomAD); In silico analysis indicates that this missense variant does not alter protein structure/function; Has not been previously published as pathogenic or benign to our knowledge.